The following is an entry in ClinVar:

ClinVar aggregate classification (germline): Pathogenic/Likely pathogenic. Review status: criteria provided, multiple submitters, no conflicts (2 of 4 stars). 2 submissions from 2 submitters: Pathogenic (1); Likely pathogenic (1). Last evaluated 2025-08-24.

Conditions:
Mucopolysaccharidosis type 1. Also called: IDUA deficiency; MPS I; Mucopolysaccharidosis Type I. Identifiers: Orphanet 579, MedGen C0023786, MONDO:0001586.

Allele frequency attached by ClinVar (database versions not stated): 1000 Genomes Project 0.00020; 1000 Genomes Project 30x 0.00016.

Submissions (2):

Natera, Inc.
Classification: Likely pathogenic for Mucopolysaccharidosis type I. Last evaluated: 2025-08-24. Review status: criteria provided, single submitter. Criteria: Natera Variant Classification Schema (03/2026). Collection method: clinical testing. Allele origin: germline.
Comment: The c.47C>A variant in IDUA is a nonsense variant predicted to introduce a stop codon at amino acid 16. This variant is expected to result in nonsense mediated decay, truncation, or a dysfunctional protein product. This variant is rare in the general population with a frequency below the threshold expected for the associated phenotype(s). Given the available evidence, this variant is classified as Likely Pathogenic.

Labcorp Genetics (formerly Invitae), Labcorp
Classification: Pathogenic for Mucopolysaccharidosis type 1. Last evaluated: 2022-11-22. Review status: criteria provided, single submitter. Criteria: Invitae Variant Classification Sherloc (09022015). Collection method: clinical testing. Allele origin: germline.
Comment: For these reasons, this variant has been classified as Pathogenic. ClinVar contains an entry for this variant (Variation ID: 1427062). This variant has not been reported in the literature in individuals affected with IDUA-related conditions. This variant is not present in population databases (gnomAD no frequency). This sequence change creates a premature translational stop signal (p.Ser16*) in the IDUA gene. It is expected to result in an absent or disrupted protein product. Loss-of-function variants in IDUA are known to be pathogenic (PMID: 11735025, 21480867).

Literature cited by the submitters: PubMed 11735025 (cited by Labcorp Genetics (formerly Invitae), Labcorp); PubMed 21480867 (cited by Labcorp Genetics (formerly Invitae), Labcorp).

NM_000203.5(IDUA):c.47C>A (p.Ser16Ter)

Genes: IDUA (alpha-L-iduronidase; plus strand), SLC26A1 (solute carrier family 26 member 1; minus strand). Cytogenetic location: 4p16.3.
Variant type: single nucleotide variant.
Coding change: c.47C>A on transcript NM_000203.5 (MANE Select); coding-DNA position 47, C replaced by A.
Protein change: p.Ser16Ter; replaces serine 16 with a stop codon.
Molecular consequence: nonsense. On other transcripts: non-coding transcript variant (1), intron variant (1).
Genome position (GRCh38, 1-based): chr4:987,131, C>A. VCF-style: chr4-987131-C-A. GRCh37 (hg19) VCF-style: chr4-980919-C-A.
Other names: c.576+3997G>T (NM_134425.4); short protein forms S16*.
Identifiers: ClinVar variation 1427062 (VCV001427062.7), dbSNP rs567921262, ClinGen allele CA91144668.